The following is an entry in ClinVar:

NM_207315.4(CMPK2):c.181del (p.Arg61fs)

Genes: CMPK2 (cytidine/uridine monophosphate kinase 2; minus strand), LOC129933018 (ATAC-STARR-seq lymphoblastoid silent region 11120; plus strand). Cytogenetic location: 2p25.2.
Variant type: Deletion.
Coding change: c.181del on transcript NM_207315.4 (MANE Select); coding-DNA position 181, one base deleted (C; older notation c.181delC).
Protein change: p.Arg61fs; shifts the reading frame from arginine 61.
Molecular consequence: frameshift variant.
Genome position (GRCh38, 1-based): chr2:6,865,516, G deleted on the plus strand (C on the coding strand, the reverse complement: CMPK2 is on the minus strand); the first of 5 consecutive G bases (chr2:6,865,516-6,865,520); deleting any one gives the same sequence. VCF-style (leftmost placement, unchanged base first): chr2-6865515-CG-C. GRCh37 (hg19) VCF-style: chr2-7005646-CG-C.
Other names: c.181del, p.Arg61fs (NM_001256477.1, NM_001256478.1); c.181delC (NM_207315.4); short protein forms R61fs.
Identifiers: ClinVar variation 4850568 (VCV004850568.1).
Genomic context (GRCh38, chr2:6,865,515, plus strand): 5'-GGGGTCACGGGCACGCACAGCGAGTAGCTGCGCTCCGGGGGCCCCAGCAGCGCCGCCAGG[CG>C]GGGGTCGGGGGCGTCTGCGTCGCCGGGGGCGTCGGCGCCTAGGGCGAAGTGAGCCAGGGT-3'

ClinVar aggregate classification (germline): Likely pathogenic (1 of 4 stars; one submission).

Conditions:
Basal ganglia calcification, idiopathic, 10, autosomal recessive. Also called: PRIMARY FAMILIAL BRAIN CALCIFICATION 10, AUTOSOMAL RECESSIVE. Identifiers: MedGen C5975532, MONDO:0975875, OMIM 621018.

Submission:

First Genomix Gene Laboratory, Genetic Diagnostics Department
Classification: Likely pathogenic for Basal ganglia calcification, idiopathic, 10, autosomal recessive. Last evaluated: 2025-08-01. Review status: criteria provided, single submitter. Criteria: ACMG Guidelines, 2015. Collection method: clinical testing. Allele origin: germline. Inheritance: Autosomal recessive inheritance. Affected: no. Observed: 1 variant allele.